The following is an entry in ClinVar:

NM_213599.3(ANO5):c.259G>C (p.Val87Leu)

Gene: ANO5 (anoctamin 5; plus strand). Cytogenetic location: 11p14.3.
Variant type: single nucleotide variant.
Coding change: c.259G>C on transcript NM_213599.3 (MANE Select); coding-DNA position 259, G replaced by C.
Protein change: p.Val87Leu; replaces valine 87 with leucine.
Molecular consequence: missense variant.
Genome position (GRCh38, 1-based): chr11:22,221,175, G>C. VCF-style: chr11-22221175-G-C. GRCh37 (hg19) VCF-style: chr11-22242721-G-C.
Other names: c.256G>C, p.Val86Leu (NM_001142649.2); short protein forms V87L, V86L.
Identifiers: ClinVar variation 1406665 (VCV001406665.10), dbSNP rs34994927, ClinGen allele CA379925439.

ClinVar aggregate classification (germline): Uncertain significance (1 of 4 stars; one submission).

Conditions:
Autosomal recessive limb-girdle muscular dystrophy type 2L (LGMDR12). Also called: Limb-girdle muscular dystrophy, type 2L; MUSCULAR DYSTROPHY, LIMB-GIRDLE, AUTOSOMAL RECESSIVE 12; Limb-Girdle Muscular Dystrophy R12 Anoctamin-5-Related (LGMD-R12). Identifiers: Orphanet 206549, MedGen C1969785, MONDO:0012652, OMIM 611307.
Gnathodiaphyseal dysplasia (GDD). Also called: GNATHODIAPHYSEAL SCLEROSIS; OSTEOGENESIS IMPERFECTA WITH UNUSUAL SKELETAL LESIONS. Identifiers: Orphanet 53697, MedGen C1833736, MONDO:0008151, OMIM 166260.

gnomAD v4.1: 2 of 1,611,544 alleles (0.00012%); highest among the groups gnomAD compares: Non-Finnish European, 0.00017%; no homozygotes.

Submission:

Labcorp Genetics (formerly Invitae), Labcorp
Classification: Uncertain significance for Autosomal recessive limb-girdle muscular dystrophy type 2L; Gnathodiaphyseal dysplasia. Last evaluated: 2024-05-24. Review status: criteria provided, single submitter. Criteria: Invitae Variant Classification Sherloc (09022015). Collection method: clinical testing. Allele origin: germline.
Comment: This sequence change replaces valine, which is neutral and non-polar, with leucine, which is neutral and non-polar, at codon 87 of the ANO5 protein (p.Val87Leu). This variant is not present in population databases (gnomAD no frequency). This variant has not been reported in the literature in individuals affected with ANO5-related conditions. ClinVar contains an entry for this variant (Variation ID: 1406665). Advanced modeling of protein sequence and biophysical properties (such as structural, functional, and spatial information, amino acid conservation, physicochemical variation, residue mobility, and thermodynamic stability) performed at Invitae indicates that this missense variant is not expected to disrupt ANO5 protein function with a negative predictive value of 95%. In summary, the available evidence is currently insufficient to determine the role of this variant in disease. Therefore, it has been classified as a Variant of Uncertain Significance.